The following is an entry in ClinVar:

ClinVar aggregate classification (germline): Uncertain significance (1 of 4 stars; one submission).

Conditions:
Neurofibromatosis, type 1 (NF1). Also called: VON RECKLINGHAUSEN DISEASE; NEUROFIBROMATOSIS, TYPE I, SOMATIC; Peripheral type neurofibromatosis; Neurofibromatosis, type I. Identifiers: Orphanet 636, MedGen C0027831, MONDO:0018975, OMIM 162200. Disease mechanism: loss of function.

Submission:

Labcorp Genetics (formerly Invitae), Labcorp
Classification: Uncertain significance for Neurofibromatosis, type 1. Last evaluated: 2017-02-11. Review status: criteria provided, single submitter. Criteria: Invitae Variant Classification Sherloc (09022015). Collection method: clinical testing. Allele origin: germline.
Comment: In summary, this variant is a novel missense change with uncertain impact on protein function. It has been classified as a Variant of Uncertain Significance. Algorithms developed to predict the effect of missense changes on protein structure and function do not agree on the potential impact of this missense change (SIFT: "Deleterious"; PolyPhen-2: "Probably Damaging"; Align-GVGD: "Class C0"). This variant is not present in population databases (ExAC no frequency) and has not been reported in the literature in individuals with an NF1-related disease. This sequence change replaces leucine with phenylalanine at codon 1723 of the NF1 protein (p.Leu1723Phe). The leucine residue is moderately conserved and there is a small physicochemical difference between leucine and phenylalanine.

NM_001042492.3(NF1):c.5230C>T (p.Leu1744Phe)

Gene: NF1 (neurofibromin 1; plus strand). Cytogenetic location: 17q11.2.
Variant type: single nucleotide variant.
Coding change: c.5230C>T on transcript NM_001042492.3 (MANE Select); coding-DNA position 5230, C replaced by T.
Protein change: p.Leu1744Phe; replaces leucine 1744 with phenylalanine.
Molecular consequence: missense variant.
Genome position (GRCh38, 1-based): chr17:31,326,214, C>T. VCF-style: chr17-31326214-C-T. GRCh37 (hg19) VCF-style: chr17-29653232-C-T.
Other names: c.5167C>T, p.Leu1723Phe (NM_000267.4); short protein forms L1723F, L1744F.
Identifiers: ClinVar variation 457745 (VCV000457745.5), dbSNP rs1555533407, ClinGen allele CA399008247.